The following is an entry in ClinVar:

ClinVar aggregate classification (germline): Uncertain significance. Review status: criteria provided, multiple submitters, no conflicts (2 of 4 stars). 3 submissions from 3 submitters: Uncertain significance (3). Last evaluated 2025-02-26.

Conditions:
PPIB-related disorder. Also called: PPIB-related condition.
Inborn genetic diseases. Identifiers: MedGen C0950123, MeSH D030342.

Allele frequency attached by ClinVar (database versions not stated): gnomAD exomes 0.00001 and 0.00002; ExAC 0.00004; gnomAD 0.00005 and 0.00006; TOPMed 0.00005; ESP Exome Variant Server 0.00015.
gnomAD v4.1: 14 of 1,613,486 alleles (0.00087%); highest among the groups gnomAD compares: African/African-American, 0.019%; no homozygotes.

Submissions (3):

Ambry Genetics
Classification: Uncertain significance for Inborn genetic diseases. Last evaluated: 2025-02-26. Review status: criteria provided, single submitter. Criteria: Ambry Variant Classification Scheme 2023. Collection method: clinical testing. Allele origin: germline.

PreventionGenetics, part of Exact Sciences
Classification: Uncertain significance for PPIB-related condition. Last evaluated: 2023-04-26. Review status: criteria provided, single submitter. Criteria: ACMG Guidelines, 2015. Collection method: clinical testing. Allele origin: germline.
Comment: The PPIB c.43G>A variant is predicted to result in the amino acid substitution p.Ala15Thr. To our knowledge, this variant has not been reported in the literature. This variant is reported in 0.024% of alleles in individuals of African descent in gnomAD. At this time, the clinical significance of this variant is uncertain due to the absence of conclusive functional and genetic evidence.

Labcorp Genetics (formerly Invitae), Labcorp
Classification: Uncertain significance. Last evaluated: 2021-08-27. Review status: criteria provided, single submitter. Criteria: Invitae Variant Classification Sherloc (09022015). Collection method: clinical testing. Allele origin: germline.
Comment: This sequence change replaces alanine with threonine at codon 15 of the PPIB protein (p.Ala15Thr). The alanine residue is moderately conserved and there is a small physicochemical difference between alanine and threonine. This variant is present in population databases (rs367853445, ExAC 0.04%). This variant has not been reported in the literature in individuals affected with PPIB-related conditions. Algorithms developed to predict the effect of missense changes on protein structure and function (SIFT, PolyPhen-2, Align-GVGD) all suggest that this variant is likely to be tolerated. In summary, the available evidence is currently insufficient to determine the role of this variant in disease. Therefore, it has been classified as a Variant of Uncertain Significance.

NM_000942.5(PPIB):c.43G>A (p.Ala15Thr)

Gene: PPIB (peptidylprolyl isomerase B; minus strand). Cytogenetic location: 15q22.31.
Variant type: single nucleotide variant.
Coding change: c.43G>A on transcript NM_000942.5 (MANE Select); coding-DNA position 43, G replaced by A.
Protein change: p.Ala15Thr; replaces alanine 15 with threonine.
Molecular consequence: missense variant.
Genome position (GRCh38, 1-based): chr15:64,162,944, C>T on the plus strand (G>A on the coding strand, the complement: PPIB is on the minus strand). VCF-style: chr15-64162944-C-T. GRCh37 (hg19) VCF-style: chr15-64455143-C-T.
Other names: c.43G>A (NM_000942.4); short protein forms A15T.
Identifiers: ClinVar variation 1433711 (VCV001433711.6), dbSNP rs367853445, ClinGen allele CA7608630.